The following is an entry in ClinVar:

NM_006389.5(HYOU1):c.724A>G (p.Ile242Val)

Gene: HYOU1 (hypoxia up-regulated 1; minus strand). Cytogenetic location: 11q23.3.
Variant type: single nucleotide variant.
Coding change: c.724A>G on transcript NM_006389.5 (MANE Select); coding-DNA position 724, A replaced by G.
Protein change: p.Ile242Val; replaces isoleucine 242 with valine.
Molecular consequence: missense variant.
Genome position (GRCh38, 1-based): chr11:119,054,191, T>C on the plus strand (A>G on the coding strand, the complement: HYOU1 is on the minus strand). VCF-style: chr11-119054191-T-C. GRCh37 (hg19) VCF-style: chr11-118924903-T-C.
Other names: c.724A>G, p.Ile242Val (NM_001130991.3); short protein forms I242V.
Identifiers: ClinVar variation 1395908 (VCV001395908.6), dbSNP rs782147382, ClinGen allele CA229647720.

ClinVar aggregate classification (germline): Uncertain significance (1 of 4 stars; one submission).

Allele frequency attached by ClinVar (database versions not stated): gnomAD exomes below 0.00001.
gnomAD v4.1: 4 of 1,614,174 alleles (0.00025%); highest among the groups gnomAD compares: South Asian, 0.0033%; no homozygotes.

Submission:

Labcorp Genetics (formerly Invitae), Labcorp
Classification: Uncertain significance. Last evaluated: 2021-11-30. Review status: criteria provided, single submitter. Criteria: Invitae Variant Classification Sherloc (09022015). Collection method: clinical testing. Allele origin: germline.
Comment: This variant has not been reported in the literature in individuals affected with HYOU1-related conditions. Algorithms developed to predict the effect of missense changes on protein structure and function (SIFT, PolyPhen-2, Align-GVGD) all suggest that this variant is likely to be tolerated. In summary, the available evidence is currently insufficient to determine the role of this variant in disease. Therefore, it has been classified as a Variant of Uncertain Significance. This variant is present in population databases (rs782147382, gnomAD 0.003%). This sequence change replaces isoleucine, which is neutral and non-polar, with valine, which is neutral and non-polar, at codon 242 of the HYOU1 protein (p.Ile242Val).